The following is an entry in ClinVar:

NM_000214.3(JAG1):c.2274_2275del (p.Val760fs)

Gene: JAG1 (jagged canonical Notch ligand 1; minus strand). Cytogenetic location: 20p12.2.
Variant type: Deletion.
Coding change: c.2274_2275del on transcript NM_000214.3 (MANE Select); coding-DNA positions 2274 to 2275, 2 bases deleted (AT; older notation c.2274_2275delAT).
Protein change: p.Val760fs; shifts the reading frame from valine 760.
Molecular consequence: frameshift variant.
Genome position (GRCh38, 1-based): chr20:10,644,932-10,644,933, AT deleted on the plus strand (AT on the coding strand, the reverse complement: JAG1 is on the minus strand). VCF-style (leftmost placement, unchanged base first): chr20-10644931-CAT-C. GRCh37 (hg19) VCF-style: chr20-10625579-CAT-C.
Other names: short protein forms V760fs.
Identifiers: ClinVar variation 2016817 (VCV002016817.6), dbSNP rs2514512962, ClinGen allele CA2580097868.

ClinVar aggregate classification (germline): Pathogenic. Review status: criteria provided, multiple submitters, no conflicts (2 of 4 stars). 3 submissions from 3 submitters: Pathogenic (3). Last evaluated 2024-08-07.

Conditions:
Alagille syndrome due to a JAG1 point mutation. Also called: Alagille Syndrome 1; HEPATIC DUCTULAR HYPOPLASIA, SYNDROMATIC; JAG1-Related Alagille Syndrome. Identifiers: Orphanet 261619, Orphanet 52, MedGen C1956125, MONDO:0016862, OMIM 118450.
JAG1-related disorder. Also called: JAG1-related condition; JAG1-related disorders.

Submissions (3):

Blueprint Genetics
Classification: Pathogenic for JAG1-related disorders. Last evaluated: 2024-08-07. Review status: criteria provided, single submitter. Criteria: ACMG Guidelines, 2015. Collection method: clinical testing. Allele origin: germline. Affected: yes. Observed: 1 variant allele.

3billion
Classification: Pathogenic for Alagille syndrome due to a JAG1 point mutation. Last evaluated: 2023-08-22. Review status: criteria provided, single submitter. Criteria: ACMG Guidelines, 2015. Collection method: clinical testing. Allele origin: germline. Affected: yes.
Comment: The variant is not observed in the gnomAD v2.1.1 dataset. Predicted Consequence/Location: Frameshift: predicted to result in a loss or disruption of normal protein function through nonsense-mediated decay (NMD) or protein truncation. Multiple pathogenic variants are reported downstream of the variant. The variant has been reported to be associated with JAG1 related disorder (ClinVar ID: VCV002016817). Therefore, this variant is classified as Pathogenic according to the recommendation of ACMG/AMP guideline.

Labcorp Genetics (formerly Invitae), Labcorp
Classification: Pathogenic for Alagille syndrome due to a JAG1 point mutation. Last evaluated: 2022-07-13. Review status: criteria provided, single submitter. Criteria: Invitae Variant Classification Sherloc (09022015). Collection method: clinical testing. Allele origin: germline.
Comment: For these reasons, this variant has been classified as Pathogenic. This variant is also known as c.2279_2280del. This premature translational stop signal has been observed in individual(s) with Alagille syndrome (PMID: 31343788). This variant is not present in population databases (gnomAD no frequency). This sequence change creates a premature translational stop signal (p.Val760Glyfs*25) in the JAG1 gene. It is expected to result in an absent or disrupted protein product. Loss-of-function variants in JAG1 are known to be pathogenic (PMID: 11180599).

Literature cited by the submitters: PubMed 31343788 (cited by Labcorp Genetics (formerly Invitae), Labcorp); PubMed 11180599 (cited by Labcorp Genetics (formerly Invitae), Labcorp).